The following is an entry in ClinVar:

NM_182931.3(KMT2E):c.5467G>A (p.Gly1823Arg)

Gene: KMT2E (lysine methyltransferase 2E (inactive); plus strand). Cytogenetic location: 7q22.3.
Variant type: single nucleotide variant.
Coding change: c.5467G>A on transcript NM_182931.3 (MANE Select); coding-DNA position 5467, G replaced by A.
Protein change: p.Gly1823Arg; replaces glycine 1823 with arginine.
Molecular consequence: missense variant.
Genome position (GRCh38, 1-based): chr7:105,113,223, G>A. VCF-style: chr7-105113223-G-A. GRCh37 (hg19) VCF-style: chr7-104753670-G-A.
Other names: c.5341G>A, p.Gly1781Arg (NM_001410908.1); c.5467G>A, p.Gly1823Arg (NM_018682.4); short protein forms G1781R, G1823R.
Identifiers: ClinVar variation 4774620 (VCV004774620.1).
Genomic context (GRCh38, chr7:105,113,223, plus strand): 5'-ATTCCAACACCTACTGCTTCAGGGTTCTGTCCTCATCCTGGCTCTGTGGCCCTGCCACAT[G>A]GGGTTCAAGGACCTCAGCAGGCATCTCCAGTGCCTGGACAGATTCCAATTCACAGAGCAC-3'
Protein context (NP_891847.1, residues 1813-1833): PHPGSVALPH[Gly1823Arg]VQGPQQASPV

ClinVar aggregate classification (germline): Uncertain significance (1 of 4 stars; one submission).

gnomAD v4.1: 1 of 1,614,220 alleles (0.000062%); highest among the groups gnomAD compares: Admixed American, 0.0017%; no homozygotes.

Submission:

Labcorp Genetics (formerly Invitae), Labcorp
Classification: Uncertain significance. Last evaluated: 2025-09-06. Review status: criteria provided, single submitter. Criteria: Invitae Variant Classification Sherloc (09022015). Collection method: clinical testing. Allele origin: germline.
Comment: This sequence change replaces glycine, which is neutral and non-polar, with arginine, which is basic and polar, at codon 1823 of the KMT2E protein (p.Gly1823Arg). This variant is not present in population databases (gnomAD no frequency). This variant has not been reported in the literature in individuals affected with KMT2E-related conditions. An algorithm developed to predict the effect of missense changes on protein structure and function (PolyPhen-2) suggests that this variant is likely to be disruptive. In summary, the available evidence is currently insufficient to determine the role of this variant in disease. Therefore, it has been classified as a Variant of Uncertain Significance.